The following is an entry in ClinVar:

NM_000283.4(PDE6B):c.2407A>G (p.Asn803Asp)

Gene: PDE6B (phosphodiesterase 6B; plus strand). Cytogenetic location: 4p16.3.
Variant type: single nucleotide variant.
Coding change: c.2407A>G on transcript NM_000283.4 (MANE Select); coding-DNA position 2407, A replaced by G.
Protein change: p.Asn803Asp; replaces asparagine 803 with aspartic acid.
Molecular consequence: missense variant.
Genome position (GRCh38, 1-based): chr4:667,910, A>G. VCF-style: chr4-667910-A-G. GRCh37 (hg19) VCF-style: chr4-661699-A-G.
Other names: c.2407A>G, p.Asn803Asp (NM_001145291.2); c.1570A>G, p.Asn524Asp (NM_001145292.2, NM_001350154.3, NM_001379246.1 and 1 more transcripts); c.1252A>G, p.Asn418Asp (NM_001350155.3); short protein forms N803D, N418D, N524D.
Identifiers: ClinVar variation 560480 (VCV000560480.5), dbSNP rs771338607, ClinGen allele CA2795051.

ClinVar aggregate classification (germline): Uncertain significance. Review status: criteria provided, single submitter (1 of 4 stars). 2 submissions from 2 submitters: Uncertain significance (1). 1 of the submissions does not count toward it. Last evaluated 2024-01-04.

Conditions:
Retinitis pigmentosa 40 (RP40). Identifiers: Orphanet 791, MedGen C3151107, MONDO:0013429, OMIM 613801.

Allele frequency attached by ClinVar (database versions not stated): gnomAD exomes below 0.00001; ExAC 0.00001.
gnomAD v4.1: 2 of 1,613,652 alleles (0.00012%); highest among the groups gnomAD compares: South Asian, 0.0022%; no homozygotes.

Submissions (2):

Labcorp Genetics (formerly Invitae), Labcorp
Classification: Uncertain significance. Last evaluated: 2024-01-04. Review status: criteria provided, single submitter. Criteria: Invitae Variant Classification Sherloc (09022015). Collection method: clinical testing. Allele origin: germline.
Comment: This sequence change replaces asparagine, which is neutral and polar, with aspartic acid, which is acidic and polar, at codon 803 of the PDE6B protein (p.Asn803Asp). This variant is present in population databases (rs771338607, gnomAD 0.003%). This variant has not been reported in the literature in individuals affected with PDE6B-related conditions. ClinVar contains an entry for this variant (Variation ID: 560480). Advanced modeling of protein sequence and biophysical properties (such as structural, functional, and spatial information, amino acid conservation, physicochemical variation, residue mobility, and thermodynamic stability) performed at Invitae indicates that this missense variant is expected to disrupt PDE6B protein function with a positive predictive value of 95%. In summary, the available evidence is currently insufficient to determine the role of this variant in disease. Therefore, it has been classified as a Variant of Uncertain Significance.

Joint Genome Diagnostic Labs from Nijmegen and Maastricht, Radboudumc and MUMC+
Classification: Uncertain significance for Retinitis pigmentosa 40. Last evaluated: 2016-09-01. Review status: no assertion criteria provided. Collection method: clinical testing. Allele origin: unknown. Affected: yes. Observed: 1 variant allele. Not counted in ClinVar's aggregate classification.